The following is an entry in ClinVar:

NM_030624.3(KLHL15):c.1005A>C (p.Glu335Asp)

Gene: KLHL15 (kelch like family member 15; minus strand). Cytogenetic location: Xp22.11.
Variant type: single nucleotide variant.
Coding change: c.1005A>C on transcript NM_030624.3 (MANE Select); coding-DNA position 1005, A replaced by C.
Protein change: p.Glu335Asp; replaces glutamic acid 335 with aspartic acid.
Molecular consequence: missense variant.
Genome position (GRCh38, 1-based): chrX:23,988,731, T>G on the plus strand (A>C on the coding strand, the complement: KLHL15 is on the minus strand). VCF-style: chrX-23988731-T-G. GRCh37 (hg19) VCF-style: chrX-24006848-T-G.
Other names: short protein forms E335D.
Identifiers: ClinVar variation 3359999 (VCV003359999.1).
Genomic context (GRCh38, chrX:23,988,731, plus strand): 5'-TCTCGGGTCATACCTGAATACTTTGGAAGAAGCATGGAATTCACCATCCGGGCCCAGCTC[T>G]TCCCCGCCTAACAGGAACACAAAATTATTGACGATAGCAAGGCAGTCAGGTCGCAGAGGT-3'
Protein context (NP_085127.2, residues 325-345): VNNFVFLLGG[Glu335Asp]ELGPDGEFHA

ClinVar aggregate classification (germline): Uncertain significance (1 of 4 stars; one submission).

Submission:

GeneDx
Classification: Uncertain significance. Last evaluated: 2023-06-20. Review status: criteria provided, single submitter. Criteria: GeneDx Variant Classification Process June 2021. Collection method: clinical testing. Allele origin: germline. Affected: yes.
Comment: Not observed at significant frequency in large population cohorts (gnomAD); In silico analysis supports that this missense variant does not alter protein structure/function; Has not been previously published as pathogenic or benign to our knowledge